The following is an entry in ClinVar:

ClinVar aggregate classification (germline): Pathogenic/Likely pathogenic. Review status: criteria provided, multiple submitters, no conflicts (2 of 4 stars). 20 submissions from 20 submitters: Pathogenic (13); Likely pathogenic (6). 1 of the submissions does not count toward it. Last evaluated 2026-03-01.

Conditions:
Semidominant ALPL-related disorders.
ALPL-related disorder. Also called: ALPL-related disorders; ALPL-related condition.
Inborn genetic diseases. Identifiers: MedGen C0950123, MeSH D030342.
Infantile hypophosphatasia. Identifiers: Orphanet 247651, Orphanet 436, MedGen C0268412, MONDO:1010169, OMIM 241500, MONDO:0009427.
Adult hypophosphatasia. Identifiers: Orphanet 247676, Orphanet 436, MedGen C0268413, MONDO:1010154, OMIM 146300, MONDO:0007798.
Childhood hypophosphatasia. Identifiers: Orphanet 247667, Orphanet 436, MedGen C0220743, MONDO:1010168, OMIM 241510, MONDO:0009428.
Hypophosphatasia. Also called: Phosphoethanol-aminuria. Identifiers: Orphanet 436, MedGen C0020630, MeSH D007014, MONDO:0018570.

Allele frequency attached by ClinVar (database versions not stated): gnomAD 0.00001; gnomAD exomes 0.00002 and 0.00004; ExAC 0.00003; TOPMed 0.00003.

Submissions 1 to 10 of 20:

CeGaT Center for Human Genetics Tuebingen
Classification: Pathogenic. Last evaluated: 2026-03-01. Review status: criteria provided, single submitter. Criteria: CeGaT Center For Human Genetics Tuebingen Variant Classification Criteria Version 2. Collection method: clinical testing. Allele origin: germline. Affected: yes. Observed: 1 variant allele.
Comment: ALPL: PM3:Very Strong, PM2, PP4:Moderate

Labcorp Genetics (formerly Invitae), Labcorp
Classification: Pathogenic. Last evaluated: 2026-01-18. Review status: criteria provided, single submitter. Criteria: Invitae Variant Classification Sherloc (09022015). Collection method: clinical testing. Allele origin: germline.
Comment: This sequence change replaces serine, which is neutral and polar, with leucine, which is neutral and non-polar, at codon 181 of the ALPL protein (p.Ser181Leu). This variant is present in population databases (rs199590449, gnomAD 0.04%). This missense change has been observed in individual(s) with hypophosphatasia (PMID: 11479741, 16583935, 17253930, 32160374). In at least one individual the data is consistent with being in trans (on the opposite chromosome) from a pathogenic variant. This variant is also known as S164L. ClinVar contains an entry for this variant (Variation ID: 188798). Invitae Evidence Modeling of protein sequence and biophysical properties (such as structural, functional, and spatial information, amino acid conservation, physicochemical variation, residue mobility, and thermodynamic stability) indicates that this missense variant is expected to disrupt ALPL protein function with a positive predictive value of 95%. Experimental studies have shown that this missense change affects ALPL function (PMID: 11479741). For these reasons, this variant has been classified as Pathogenic.

Natera, Inc.
Classification: Pathogenic for Hypophosphatasia. Last evaluated: 2025-10-07. Review status: criteria provided, single submitter. Criteria: Natera Variant Classification Schema (03/2026). Collection method: clinical testing. Allele origin: germline.
Comment: The c.542C>T variant in ALPL is a missense variant predicted to cause substitution of serine to leucine at amino acid 181. This variant is rare in the general population with a frequency below the threshold expected for the associated phenotype(s). This variant has been observed in one or more individuals affected with the associated recessive disease, as either homozygous or compound heterozygous with a second variant (PMID: 33977024, 32160374, 33549410). Functional studies show that this variant may disrupt protein function (PMID: 11479741). Given the available evidence, this variant is classified as Pathogenic.

Genomenon, Inc
Classification: Pathogenic for Hypophosphatasia. Last evaluated: 2025-08-29. Review status: criteria provided, single submitter. Criteria: Genomenon Sequence Variant Interpretation Standards. Collection method: curation. Allele origin: germline. Affected: yes.
Comment: ALPL c.542C>T is a missense variant that changes the amino acid at residue 181 from Serine to Leucine. This variant has been observed in at least one proband affected with hypophosphatasia (PMID:26783040;32973344;36444396;34131769;11479741;33191482;28436937;17253930;33827627). At least one functional study has demonstrated a substantial alteration in protein function relative to the wild-type (PMID:11479741). This variant is also described as Ser164Leu in the literature. It is absent or not present at a significant frequency in gnomAD. In silico models agree that this variant is possibly or probably damaging. In conclusion, we classify ALPL p.Ser181Leu (c.542C>T) as a pathogenic variant.

PreventionGenetics, part of Exact Sciences
Classification: Pathogenic for ALPL-related condition. Last evaluated: 2025-08-18. Review status: criteria provided, single submitter. Criteria: ACMG Guidelines, 2015. Collection method: clinical testing. Allele origin: germline.
Comment: The ALPL c.542C>T variant is predicted to result in the amino acid substitution p.Ser181Leu. This variant has been reported in the heterozygous state in an individual with infantile hypophosphatasia (HPP) (Lia-Baldini et al. 2001. PubMed ID: 11479741; reported as p.Ser164Leu). It has also been observed in the homozygous state or along with a second ALPL variant in individuals with various forms of HPP or undergoing testing for HPP (see for example, Del Angel et al. 2020. PubMed ID: 32160374; Sperelakis-Beedham et al. 2021. PubMed ID: 33549410; Strandbech et al. 2021. PubMed ID: 33977024; Liu et al. 2024. PubMed ID: 38895587). In addition, this variant has been associated with low serum alkaline phosphatase levels (Nielsen et al. 2012. PubMed ID: 21956185; Riancho-Zarrabeitia et al. 2016. PubMed ID: 26783040). It is reported in 0.040% of alleles in individuals of Ashkenazi Jewish descent in gnomAD. We classify this variant as pathogenic.

Dasa
Classification: Pathogenic. Last evaluated: 2025-07-23. Review status: criteria provided, single submitter. Criteria: DASA Assertion Criteria. Collection method: clinical testing. Allele origin: germline.
Comment: NM_000478.6(ALPL):c.542C>T (p.Ser181Leu) is a missense variant that results in the substitution of serine with leucine. Functional evidence supports a deleterious effect on the gene or gene product (PMID: 11479741; PMID: 16583935; PMID: 17253930; PMID: 32160374). This variant has been recurrently observed in individuals with related phenotype (PMID: 11479741; PMID: 16583935; PMID: 17253930; PMID: 32160374). Segregation evidence has been reported in affected families. Multiple computational predictions support a deleterious effect on the gene or gene product. The variant is present at low frequency in population datasets. Based on the available data, this variant is classified as pathogenic.

Variantyx, Inc.
Classification: Pathogenic for Semidominant ALPL-related disorders. Last evaluated: 2025-07-11. Review status: criteria provided, single submitter. Criteria: Variantyx Assertion Criteria 2022. Collection method: clinical testing. Allele origin: germline. Inheritance: Semidominant inheritance.
Comment: This is a nonsynonymous variant in the ALPL gene (OMIM: 171760). Pathogenic variants in this gene have been associated with autosomal semidominant ALPL-related disorders. This variant has been reported in the homozygous or compound heterozygous state in at least 2 unrelated affected individuals (PMID: 33977024, 33549410) (PM3). Additionally, this variant has been reported in the heterozygous state in at least one mildly affected individual (PMID:11479741 ,36444396). Functional studies have shown that this variant alters ALPL protein function (PMID: 32160374) (PS3_Moderate) and multiple computational algorithms predict a deleterious effect for this variant (REVEL score: 0.794) (PP3_Moderate). An alternate amino acid change at this position (p.Ser181Trp) has been reported in affected individuals; however, its pathogenicity has not been established.This variant has a 0.003293% maximum allele frequency in non-founder control populations (PM2_Supporting). Based on the current evidence, this variant is classified as likely pathogenic for autosomal semidominant ALPL-related disorders.

Ambry Genetics
Classification: Likely pathogenic for Inborn genetic diseases. Last evaluated: 2025-07-10. Review status: criteria provided, single submitter. Criteria: Ambry Variant Classification Scheme 2023. Collection method: clinical testing. Allele origin: germline.
Comment: The c.542C>T (p.S181L) alteration is located in exon 6 (coding exon 5) of the ALPL gene. This alteration results from a C to T substitution at nucleotide position 542, causing the serine (S) at amino acid position 181 to be replaced by a leucine (L). Based on the available evidence, this alteration is classified as likely pathogenic for autosomal dominant/ autosomal recessive hypophosphatasia (with a loss of function mechanism of disease); however, it is unlikely to be causative of autosomal dominant hypophosphatasia (with a dominant negative mechanism of disease). Based on data from gnomAD, the T allele has an overall frequency of <0.01% (10/251130) total alleles studied. The highest observed frequency was 0.04% (4/10066) of Ashkenazi Jewish alleles. This variant has been identified in the homozygous state and in conjunction with other ALPL variants in individuals with features consistent with AR ALPL-related hypophosphatasia; in at least one instance, the variants were identified in trans (Ambry internal data; Dattagupta, 2024; Liu, 2024; Araci, 2021; Strandbech, 2021; Lia-Baldini, 2001). This amino acid position is well conserved in available vertebrate species. This alteration is predicted to be deleterious by in silico analysis. Based on the available evidence, this alteration is classified as likely pathogenic.

Blueprint Genetics
Classification: Pathogenic for ALPL-related disorders. Last evaluated: 2024-10-28. Review status: criteria provided, single submitter. Criteria: ACMG Guidelines, 2015. Collection method: clinical testing. Allele origin: germline. Affected: yes. Observed: 5 variant alleles.

Fulgent Genetics
Classification: Likely pathogenic for Adult hypophosphatasia; Infantile hypophosphatasia; Childhood hypophosphatasia. Last evaluated: 2024-06-14. Review status: criteria provided, single submitter. Criteria: ACMG Guidelines, 2015. Collection method: clinical testing. Allele origin: germline.

NM_000478.6(ALPL):c.542C>T (p.Ser181Leu)

Gene: ALPL (alkaline phosphatase, biomineralization associated; plus strand). Cytogenetic location: 1p36.12.
Variant type: single nucleotide variant.
Coding change: c.542C>T on transcript NM_000478.6 (MANE Select); coding-DNA position 542, C replaced by T.
Protein change: p.Ser181Leu; replaces serine 181 with leucine.
Molecular consequence: missense variant.
Genome position (GRCh38, 1-based): chr1:21,564,110, C>T. VCF-style: chr1-21564110-C-T. GRCh37 (hg19) VCF-style: chr1-21890603-C-T.
Other names: c.377C>T, p.Ser126Leu (NM_001127501.4); c.311C>T, p.Ser104Leu (NM_001177520.3); c.542C>T, p.Ser181Leu (NM_001369803.2, NM_001369804.2, NM_001369805.2); short protein forms S181L, S126L, S104L.
Identifiers: ClinVar variation 188798 (VCV000188798.39), dbSNP rs199590449, ClinGen allele CA273974.
Genomic context (GRCh38, chr1:21,564,110, plus strand): 5'-TGGGCATTGTGACCACCACGAGAGTGAACCATGCCACCCCCAGCGCCGCCTACGCCCACT[C>T]GGCTGACCGGGACTGGTACTCAGACAACGAGATGCCCCCTGAGGCCTTGAGCCAGGGCTG-3'
Protein context (NP_000469.3, residues 171-191): HATPSAAYAH[Ser181Leu]ADRDWYSDNE